The following is an entry in ClinVar:

ClinVar aggregate classification (germline): Uncertain significance (1 of 4 stars; one submission).

Submission:

GeneDx
Classification: Uncertain significance. Last evaluated: 2019-11-13. Review status: criteria provided, single submitter. Criteria: GeneDx Variant Classification Process June 2021. Collection method: clinical testing. Allele origin: germline. Affected: yes.
Comment: Not observed in large population cohorts (Lek et al., 2016); In silico analysis, which includes protein predictors and evolutionary conservation, supports a deleterious effect; Has not been previously published as pathogenic or benign to our knowledge

NM_001458.5(FLNC):c.2911G>T (p.Val971Phe)

Gene: FLNC (filamin C; plus strand). Cytogenetic location: 7q32.1.
Variant type: single nucleotide variant.
Coding change: c.2911G>T on transcript NM_001458.5 (MANE Select); coding-DNA position 2911, G replaced by T.
Protein change: p.Val971Phe; replaces valine 971 with phenylalanine.
Molecular consequence: missense variant.
Genome position (GRCh38, 1-based): chr7:128,843,895, G>T. VCF-style: chr7-128843895-G-T. GRCh37 (hg19) VCF-style: chr7-128483949-G-T.
Other names: c.2911G>T, p.Val971Phe (NM_001127487.2); short protein forms V971F.
Identifiers: ClinVar variation 1310180 (VCV001310180.2), dbSNP rs548199973, ClinGen allele CA369193549.